The following is an entry in ClinVar:

ClinVar aggregate classification (germline): Uncertain significance. Review status: criteria provided, multiple submitters, no conflicts (2 of 4 stars). 3 submissions from 3 submitters: Uncertain significance (3). Last evaluated 2022-03-18.

Conditions:
Epidermolysis bullosa simplex 5C, with pyloric atresia (EBS5C). Also called: PLEC-Related Epidermolysis Bullosa with Pyloric Atresia; Epidermolysis bullosa simplex with pyloric atresia; PLEC1-Related Epidermolysis Bullosa with Pyloric Atresia. Identifiers: Orphanet 158684, MedGen C2677349, MONDO:0012807, OMIM 612138.
Autosomal recessive limb-girdle muscular dystrophy type 2Q (LGMDR17). Also called: MUSCULAR DYSTROPHY, LIMB-GIRDLE, AUTOSOMAL RECESSIVE 17. Identifiers: Orphanet 254361, MedGen C3150989, MONDO:0013390, OMIM 613723.
Epidermolysis bullosa simplex with nail dystrophy (EBS5D). Identifiers: MedGen C4225309, MONDO:0014661, OMIM 616487.
Epidermolysis bullosa simplex, Ogna type (EBS5A). Also called: Pidermolysis bullosa simplex 5A, Ogna type; EPIDERMOLYSIS BULLOSA SIMPLEX 5A, OGNA TYPE. Identifiers: Orphanet 79401, MedGen C0432317, MONDO:0007555, OMIM 131950.
Epidermolysis bullosa simplex 5B, with muscular dystrophy (EBS5B). Also called: EPIDERMOLYSIS BULLOSA SIMPLEX AND LIMB-GIRDLE MUSCULAR DYSTROPHY; Epidermolysis bullosa simplex with muscular dystrophy. Identifiers: Orphanet 257, MedGen C2931072, MONDO:0009181, OMIM 226670.

Allele frequency attached by ClinVar (database versions not stated): gnomAD exomes below 0.00001 and 0.00001; TOPMed below 0.00001; gnomAD 0.00001; 1000 Genomes Project 30x 0.00016; 1000 Genomes Project 0.00020.
gnomAD v4.1: 16 of 1,600,398 alleles (0.001%); highest among the groups gnomAD compares: South Asian, 0.0045%; no homozygotes.

Submissions (3):

Labcorp Genetics (formerly Invitae), Labcorp
Classification: Uncertain significance for Autosomal recessive limb-girdle muscular dystrophy type 2Q; Epidermolysis bullosa simplex, Ogna type; Epidermolysis bullosa simplex with nail dystrophy; Epidermolysis bullosa simplex 5C, with pyloric atresia; Epidermolysis bullosa simplex 5B, with muscular dystrophy. Last evaluated: 2022-03-18. Review status: criteria provided, single submitter. Criteria: Invitae Variant Classification Sherloc (09022015). Collection method: clinical testing. Allele origin: germline.
Comment: This sequence change replaces arginine, which is basic and polar, with glutamine, which is neutral and polar, at codon 759 of the PLEC protein (p.Arg759Gln). The frequency data for this variant in the population databases is considered unreliable, as metrics indicate poor data quality at this position in the gnomAD database. This variant has not been reported in the literature in individuals affected with PLEC-related conditions. ClinVar contains an entry for this variant (Variation ID: 1052561). Algorithms developed to predict the effect of missense changes on protein structure and function are either unavailable or do not agree on the potential impact of this missense change (SIFT: "Deleterious"; PolyPhen-2: "Not Available"; Align-GVGD: "Class C0"). In summary, the available evidence is currently insufficient to determine the role of this variant in disease. Therefore, it has been classified as a Variant of Uncertain Significance.

Blueprint Genetics
Classification: Uncertain significance. Last evaluated: 2021-12-08. Review status: criteria provided, single submitter. Criteria: ACMG Guidelines, 2015. Collection method: clinical testing. Allele origin: germline.

Revvity Omics, Revvity
Classification: Uncertain significance. Last evaluated: 2019-06-18. Review status: criteria provided, single submitter. Criteria: ACMG Guidelines, 2015. Collection method: clinical testing. Allele origin: germline.

NM_201384.3(PLEC):c.2195G>A (p.Arg732Gln)

Gene: PLEC (plectin; minus strand). Cytogenetic location: 8q24.3.
Variant type: single nucleotide variant.
Coding change: c.2195G>A on transcript NM_201384.3 (MANE Select); coding-DNA position 2195, G replaced by A.
Protein change: p.Arg732Gln; replaces arginine 732 with glutamine.
Molecular consequence: missense variant.
Genome position (GRCh38, 1-based): chr8:143,931,643, C>T on the plus strand (G>A on the coding strand, the complement: PLEC is on the minus strand). VCF-style: chr8-143931643-C-T. GRCh37 (hg19) VCF-style: chr8-145005811-C-T.
Other names: c.2276G>A, p.Arg759Gln (NM_000445.5); c.2153G>A, p.Arg718Gln (NM_201378.4); c.2129G>A, p.Arg710Gln (NM_201379.3); c.2606G>A, p.Arg869Gln (NM_201380.4); c.2099G>A, p.Arg700Gln (NM_201381.3); c.2195G>A, p.Arg732Gln (NM_201382.4); c.2207G>A, p.Arg736Gln (NM_201383.3); c.2276G>A (NM_000445.3); short protein forms R700Q, R710Q, R718Q, R732Q, R736Q, R759Q, R869Q.
Identifiers: ClinVar variation 1052561 (VCV001052561.9), dbSNP rs563070961, ClinGen allele CA4927610.
Genomic context (GRCh38, chr8:143,931,643, plus strand): 5'-TCACAACTGTATTTCCTACGCAGTGCCTCCTGCAGCTTCTGCAACTGCCCCTCGGCCTCC[C>T]GCACATCTGAGAAGAACTGGGGCAGCGGGAGGGGGTCACGCCAGGCTACCTGGGACCAGA-3'
Protein context (NP_958786.1, residues 722-742): AAYFQFFSDV[Arg732Gln]EAEGQLQKLQ